The following is an entry in ClinVar:

NM_001013838.3(CARMIL2):c.571C>T (p.Arg191Cys)

Gene: CARMIL2 (capping protein regulator and myosin 1 linker 2; plus strand). Cytogenetic location: 16q22.1.
Variant type: single nucleotide variant.
Coding change: c.571C>T on transcript NM_001013838.3 (MANE Select); coding-DNA position 571, C replaced by T.
Protein change: p.Arg191Cys; replaces arginine 191 with cysteine.
Molecular consequence: missense variant.
Genome position (GRCh38, 1-based): chr16:67,646,933, C>T. VCF-style: chr16-67646933-C-T. GRCh37 (hg19) VCF-style: chr16-67680836-C-T.
Other names: c.571C>T, p.Arg191Cys (NM_001317026.3); short protein forms R191C.
Identifiers: ClinVar variation 1917035 (VCV001917035.3), dbSNP rs377185156, ClinGen allele CA8113128.

ClinVar aggregate classification (germline): Uncertain significance (1 of 4 stars; one submission).

Allele frequency attached by ClinVar (database versions not stated): ExAC 0.00002; gnomAD 0.00002; TOPMed 0.00006; ESP Exome Variant Server 0.00008.
gnomAD v4.1: 42 of 1,613,610 alleles (0.0026%); highest among the groups gnomAD compares: Admixed American, 0.027%; no homozygotes.

Submission:

Labcorp Genetics (formerly Invitae), Labcorp
Classification: Uncertain significance. Last evaluated: 2023-10-14. Review status: criteria provided, single submitter. Criteria: Invitae Variant Classification Sherloc (09022015). Collection method: clinical testing. Allele origin: germline.
Comment: This sequence change replaces arginine, which is basic and polar, with cysteine, which is neutral and slightly polar, at codon 191 of the CARMIL2 protein (p.Arg191Cys). This variant is present in population databases (rs377185156, gnomAD 0.04%). This variant has not been reported in the literature in individuals affected with CARMIL2-related conditions. ClinVar contains an entry for this variant (Variation ID: 1917035). Advanced modeling of protein sequence and biophysical properties (such as structural, functional, and spatial information, amino acid conservation, physicochemical variation, residue mobility, and thermodynamic stability) performed at Invitae indicates that this missense variant is expected to disrupt CARMIL2 protein function. In summary, the available evidence is currently insufficient to determine the role of this variant in disease. Therefore, it has been classified as a Variant of Uncertain Significance.